The following is an entry in ClinVar:

ClinVar aggregate classification (germline): other (0 of 4 stars; one submission).

Conditions:
Familial colorectal cancer. Identifiers: MedGen CN280943, MONDO:0023113. Disease mechanism: loss of function.

Submission:

Systems Biology Platform Zhejiang California International NanoSystems Institute
Classification: other for Familial colorectal cancer. Review status: no assertion criteria provided. Collection method: not provided. Allele origin: unknown.
ClinVar note: Converted during submission from cancer to other.

NC_000005.10:g.112850832T>C

Variant type: single nucleotide variant.
Genome position: GRCh38 VCF-style: chr5-112850832-T-C. GRCh37 (hg19) VCF-style: chr5-112186529-T-C.
Identifiers: ClinVar variation 82667 (VCV000082667.3), dbSNP rs77687441, ClinGen allele CA250807.